The following is an entry in ClinVar:

NM_177438.3(DICER1):c.1070C>A (p.Ala357Glu)

Gene: DICER1 (dicer 1, ribonuclease III; minus strand). Cytogenetic location: 14q32.13.
Variant type: single nucleotide variant.
Coding change: c.1070C>A on transcript NM_177438.3 (MANE Select); coding-DNA position 1070, C replaced by A.
Protein change: p.Ala357Glu; replaces alanine 357 with glutamic acid.
Molecular consequence: missense variant. On other transcripts: 5 prime UTR variant (1), non-coding transcript variant (6).
Genome position (GRCh38, 1-based): chr14:95,124,502, G>T on the plus strand (C>A on the coding strand, the complement: DICER1 is on the minus strand). VCF-style: chr14-95124502-G-T. GRCh37 (hg19) VCF-style: chr14-95590839-G-T.
Other names: c.1070C>A, p.Ala357Glu (NM_001195573.1, NM_001271282.3, NM_001291628.2 and 15 more transcripts); c.788C>A, p.Ala263Glu (NM_001395686.1); c.665C>A, p.Ala222Glu (NM_001395687.1, NM_001395688.1, NM_001395689.1 and 3 more transcripts); c.503C>A, p.Ala168Glu (NM_001395691.1); c.-499C>A (NM_001395697.1); short protein forms A168E, A222E, A263E, A357E.
Identifiers: ClinVar variation 3229302 (VCV003229302.2), dbSNP rs1555374756, ClinGen allele CA390887025.

ClinVar aggregate classification (germline): Uncertain significance. Review status: criteria provided, multiple submitters, no conflicts (2 of 4 stars). 2 submissions from 2 submitters: Uncertain significance (2). Last evaluated 2026-01-26.

Conditions:
DICER1-related tumor predisposition. Also called: DICER1-related pleuropulmonary blastoma cancer predisposition syndrome; DICER1 syndrome. Identifiers: Orphanet 284343, MedGen C3839822, MONDO:0100216.
Hereditary cancer-predisposing syndrome. Also called: Hereditary Cancer Syndrome; Tumor predisposition; Neoplastic Syndromes, Hereditary; Hereditary neoplastic syndrome. Identifiers: Orphanet 140162, MedGen C0027672, MeSH D009386, MONDO:0015356.

gnomAD v4.1: 1 of 1,614,070 alleles (0.000062%); highest among the groups gnomAD compares: Non-Finnish European, 0.000085%; no homozygotes.

Submissions (2):

Labcorp Genetics (formerly Invitae), Labcorp
Classification: Uncertain significance for DICER1-related tumor predisposition. Last evaluated: 2026-01-26. Review status: criteria provided, single submitter. Criteria: Invitae Variant Classification Sherloc (09022015). Collection method: clinical testing. Allele origin: germline.
Comment: This sequence change replaces alanine, which is neutral and non-polar, with glutamic acid, which is acidic and polar, at codon 357 of the DICER1 protein (p.Ala357Glu). This variant is not present in population databases (gnomAD no frequency). This variant has not been reported in the literature in individuals affected with DICER1-related conditions. ClinVar contains an entry for this variant (Variation ID: 3229302). Invitae Evidence Modeling of protein sequence and biophysical properties (such as structural, functional, and spatial information, amino acid conservation, physicochemical variation, residue mobility, and thermodynamic stability) indicates that this missense variant is not expected to disrupt DICER1 protein function with a negative predictive value of 95%. In summary, the available evidence is currently insufficient to determine the role of this variant in disease. Therefore, it has been classified as a Variant of Uncertain Significance.

Ambry Genetics
Classification: Uncertain significance for Hereditary cancer-predisposing syndrome. Last evaluated: 2022-12-18. Review status: criteria provided, single submitter. Criteria: Ambry Variant Classification Scheme 2023. Collection method: clinical testing. Allele origin: germline.
Comment: The p.A357E variant (also known as c.1070C>A), located in coding exon 7 of the DICER1 gene, results from a C to A substitution at nucleotide position 1070. The alanine at codon 357 is replaced by glutamic acid, an amino acid with dissimilar properties. This amino acid position is conserved. In addition, the in silico prediction for this alteration is inconclusive. Since supporting evidence is limited at this time, the clinical significance of this alteration remains unclear.